The following is an entry in ClinVar:

ClinVar aggregate classification (germline): Pathogenic. Review status: criteria provided, multiple submitters, no conflicts (2 of 4 stars). 5 submissions from 5 submitters: Pathogenic (3). 2 of the submissions do not count toward it. Last evaluated 2023-10-04.

Conditions:
IMPG2-related disorders.
Macular dystrophy. Identifiers: MedGen C0730292, HP:0007754.
Retinal dystrophy. Also called: Inherited retinal dystrophy. Identifiers: Orphanet 71862, MedGen C0854723, MeSH D058499, MONDO:0019118, HP:0000556.
Retinitis pigmentosa 56 (RP56). Identifiers: Orphanet 791, MedGen C3150819, MONDO:0013314, OMIM 613581.

Allele frequency attached by ClinVar (database versions not stated): gnomAD exomes 0.00001; ExAC 0.00002; gnomAD 0.00002; TOPMed 0.00003.
gnomAD v4.1: 14 of 1,613,838 alleles (0.00087%); highest among the groups gnomAD compares: African/African-American, 0.0027%; no homozygotes.

Submissions (5):

Labcorp Genetics (formerly Invitae), Labcorp
Classification: Pathogenic. Last evaluated: 2023-10-04. Review status: criteria provided, single submitter. Criteria: Invitae Variant Classification Sherloc (09022015). Collection method: clinical testing. Allele origin: germline.
Comment: This sequence change creates a premature translational stop signal (p.Arg964*) in the IMPG2 gene. It is expected to result in an absent or disrupted protein product. Loss-of-function variants in IMPG2 are known to be pathogenic (PMID: 20673862). This variant is present in population databases (rs267606875, gnomAD 0.003%). This premature translational stop signal has been observed in individual(s) with retinitis pigmentosa or macular dystrophy (PMID: 20673862, 24876279, 30718709). ClinVar contains an entry for this variant (Variation ID: 3549). For these reasons, this variant has been classified as Pathogenic.

Dept Of Ophthalmology, Nagoya University
Classification: Pathogenic for Retinal dystrophy. Last evaluated: 2023-10-01. Review status: criteria provided, single submitter. Criteria: Submitter's publication. Collection method: research. Allele origin: germline. Affected: yes.

Blueprint Genetics
Classification: Pathogenic for IMPG2-related disorders. Last evaluated: 2022-08-13. Review status: criteria provided, single submitter. Criteria: ACMG Guidelines, 2015. Collection method: clinical testing. Allele origin: germline. Affected: yes. Observed: 5 variant alleles.

Department of Clinical Genetics, Copenhagen University Hospital, Rigshospitalet
Classification: Likely pathogenic for Macular dystrophy. Last evaluated: 2018-04-01. Review status: no assertion criteria provided. Collection method: research. Allele origin: unknown. Affected: yes. Study: VeluxRD. Not counted in ClinVar's aggregate classification.

OMIM
Classification: Pathogenic for RETINITIS PIGMENTOSA 56. Last evaluated: 2010-08-13. Review status: no assertion criteria provided. Collection method: literature only. Allele origin: germline. Not counted in ClinVar's aggregate classification.

Literature cited by the submitters: PubMed 20673862 (cited by Labcorp Genetics (formerly Invitae), Labcorp and OMIM); PubMed 24876279 (cited by Labcorp Genetics (formerly Invitae), Labcorp); PubMed 30718709 (cited by Labcorp Genetics (formerly Invitae), Labcorp and Department of Clinical Genetics, Copenhagen University Hospital, Rigshospitalet).

NM_016247.4(IMPG2):c.2890C>T (p.Arg964Ter)

Gene: IMPG2 (interphotoreceptor matrix proteoglycan 2; minus strand). Cytogenetic location: 3q12.3.
Variant type: single nucleotide variant.
Coding change: c.2890C>T on transcript NM_016247.4 (MANE Select); coding-DNA position 2890, C replaced by T.
Protein change: p.Arg964Ter; replaces arginine 964 with a stop codon.
Molecular consequence: nonsense.
Genome position (GRCh38, 1-based): chr3:101,242,820, G>A on the plus strand (C>T on the coding strand, the complement: IMPG2 is on the minus strand). VCF-style: chr3-101242820-G-A. GRCh37 (hg19) VCF-style: chr3-100961664-G-A.
Other names: short protein forms R964*.
Identifiers: ClinVar variation 3549 (VCV000003549.14), dbSNP rs267606875, ClinGen allele CA252815.